The following is an entry in ClinVar:

NM_000368.5(TSC1):c.564del (p.His189fs)

Gene: TSC1 (TSC complex subunit 1; minus strand). Cytogenetic location: 9q34.13.
Variant type: Deletion.
Coding change: c.564del on transcript NM_000368.5 (MANE Select); coding-DNA position 564, one base deleted (T; older notation c.564delT).
Protein change: p.His189fs; shifts the reading frame from histidine 189.
Molecular consequence: frameshift variant.
Genome position (GRCh38, 1-based): chr9:132,921,918, A deleted on the plus strand (T on the coding strand, the reverse complement: TSC1 is on the minus strand); the first of 3 consecutive A bases (chr9:132,921,918-132,921,920); deleting any one gives the same sequence. VCF-style (leftmost placement, unchanged base first): chr9-132921917-GA-G. GRCh37 (hg19) VCF-style: chr9-135797304-GA-G.
Other names: c.409delT, p.His138Ilefs (NM_001406612.1, NM_001406613.1, NM_001406610.1 and 1 more transcripts); c.199delT, p.His68Ilefs (NM_001406614.1, NM_001406615.1, NM_001406616.1 and 9 more transcripts); c.564del, p.His189fs (NM_001162426.2); c.411del, p.His138fs (NM_001162427.2); c.201del, p.His68fs (NM_001362177.2); c.562delT, p.His189Ilefs (NM_001406592.1, NM_001406593.1, NM_001406594.1 and 15 more transcripts); c.-316delT (NM_001406626.1, NM_001406627.1, NM_001406628.1); c.-458delT (NM_001406629.1); and 1 more; short protein forms H138fs, H189fs, H68fs.
Identifiers: ClinVar variation 2009514 (VCV002009514.4), dbSNP rs118203399, ClinGen allele CA2580079996.

ClinVar aggregate classification (germline): Pathogenic (1 of 4 stars; one submission).

Conditions:
Tuberous sclerosis 1 (TSC1). Identifiers: Orphanet 805, MedGen C1854465, MONDO:0008612, OMIM 191100.

Submission:

Labcorp Genetics (formerly Invitae), Labcorp
Classification: Pathogenic for Tuberous sclerosis 1. Last evaluated: 2022-06-22. Review status: criteria provided, single submitter. Criteria: Invitae Variant Classification Sherloc (09022015). Collection method: clinical testing. Allele origin: germline.
Comment: For these reasons, this variant has been classified as Pathogenic. This variant has not been reported in the literature in individuals affected with TSC1-related conditions. This variant is not present in population databases (gnomAD no frequency). This sequence change creates a premature translational stop signal (p.His189Ilefs*21) in the TSC1 gene. It is expected to result in an absent or disrupted protein product. Loss-of-function variants in TSC1 are known to be pathogenic (PMID: 10227394, 17304050).

Literature cited by the submitters: PubMed 10227394; PubMed 17304050.